The following is an entry in ClinVar:

NM_000257.4(MYH7):c.3433G>A (p.Glu1145Lys)

Gene: MYH7 (myosin heavy chain 7; minus strand). Cytogenetic location: 14q11.2.
Variant type: single nucleotide variant.
Coding change: c.3433G>A on transcript NM_000257.4 (MANE Select); coding-DNA position 3433, G replaced by A.
Protein change: p.Glu1145Lys; replaces glutamic acid 1145 with lysine.
Molecular consequence: missense variant.
Genome position (GRCh38, 1-based): chr14:23,420,138, C>T on the plus strand (G>A on the coding strand, the complement: MYH7 is on the minus strand). VCF-style: chr14-23420138-C-T. GRCh37 (hg19) VCF-style: chr14-23889347-C-T.
Other names: c.3433G>A, p.Glu1145Lys (NM_001407004.1); short protein forms E1145K.
Identifiers: ClinVar variation 4758551 (VCV004758551.1).

ClinVar aggregate classification (germline): Uncertain significance (1 of 4 stars; one submission).

Conditions:
Cardiomyopathy (CMYO). Also called: Cardiomyopathies. Identifiers: Orphanet 167848, MedGen C0878544, MONDO:0004994, HP:0001638. Inheritance: Various modes of inheritance.

Submission:

Color Diagnostics, LLC DBA Color Health
Classification: Uncertain significance for Cardiomyopathy. Last evaluated: 2025-07-14. Review status: criteria provided, single submitter. Criteria: ACMG Guidelines, 2015. Collection method: clinical testing. Allele origin: germline.
Comment: This missense variant replaces glutamic acid with lysine at codon 1145 of the MYH7 protein. Computational prediction suggests that this variant may have deleterious impact on protein structure and function. To our knowledge, functional studies have not been reported for this variant. This variant has not been reported in individuals affected with MYH7-related disorders in the literature. This variant has not been identified in the general population by the Genome Aggregation Database (gnomAD). The available evidence is insufficient to determine the role of this variant in disease conclusively. Therefore, this variant is classified as a Variant of Uncertain Significance.